The following is an entry in ClinVar:

NM_018686.6(CMAS):c.249G>A (p.Gly83=)

Gene: CMAS (cytidine monophosphate N-acetylneuraminic acid synthetase; plus strand). Cytogenetic location: 12p12.1.
Variant type: single nucleotide variant.
Coding change: c.249G>A on transcript NM_018686.6 (MANE Select); coding-DNA position 249, G replaced by A.
Protein change: p.Gly83=; no amino-acid change (glycine 83 retained).
Molecular consequence: synonymous variant. On other transcripts: non-coding transcript variant (1).
Genome position (GRCh38, 1-based): chr12:22,046,552, G>A. VCF-style: chr12-22046552-G-A. GRCh37 (hg19) VCF-style: chr12-22199486-G-A.
Identifiers: ClinVar variation 2642782 (VCV002642782.24), dbSNP rs1280157624, ClinGen allele CA478954485.

ClinVar aggregate classification (germline): Likely benign (1 of 4 stars; one submission).

Allele frequency attached by ClinVar (database versions not stated): gnomAD exomes below 0.00001; TOPMed below 0.00001; gnomAD 0.00001.

Submission:

CeGaT Center for Human Genetics Tuebingen
Classification: Likely benign. Last evaluated: 2023-05-01. Review status: criteria provided, single submitter. Criteria: CeGaT Center For Human Genetics Tuebingen Variant Classification Criteria Version 2. Collection method: clinical testing. Allele origin: germline. Affected: yes. Observed: 1 variant allele.
Comment: CMAS: BP4, BP7